The following is an entry in ClinVar:

ClinVar aggregate classification (germline): Conflicting classifications of pathogenicity. Review status: criteria provided, conflicting classifications (1 of 4 stars). 2 submissions from 2 submitters: Uncertain significance (1); Likely benign (1). Last evaluated 2025-12-08.

Conditions:
CPSF1-related disorder. Also called: CPSF1-related condition.

gnomAD v4.1: 2,223 of 1,613,546 alleles (0.14%); highest among the groups gnomAD compares: Admixed American, 0.5%; 3 homozygotes.

Submissions (2):

Ambry Genetics
Classification: Uncertain significance. Last evaluated: 2025-12-08. Review status: criteria provided, single submitter. Criteria: Ambry Variant Classification Scheme 2023. Collection method: clinical testing. Allele origin: germline.

PreventionGenetics, part of Exact Sciences
Classification: Likely benign for CPSF1-related condition. Last evaluated: 2025-01-23. Review status: criteria provided, single submitter. Criteria: ACMG Guidelines, 2015. Collection method: clinical testing. Allele origin: germline.
Comment: This variant is classified as likely benign based on ACMG/AMP sequence variant interpretation guidelines (Richards et al. 2015 PMID: 25741868, with internal and published modifications).

NM_013291.3(CPSF1):c.174G>C (p.Glu58Asp)

Gene: CPSF1 (cleavage and polyadenylation specific factor 1; minus strand). Cytogenetic location: 8q24.3.
Variant type: single nucleotide variant.
Coding change: c.174G>C on transcript NM_013291.3 (MANE Select); coding-DNA position 174, G replaced by C.
Protein change: p.Glu58Asp; replaces glutamic acid 58 with aspartic acid.
Molecular consequence: missense variant.
Genome position (GRCh38, 1-based): chr8:144,401,562, C>G on the plus strand (G>C on the coding strand, the complement: CPSF1 is on the minus strand). VCF-style: chr8-144401562-C-G. GRCh37 (hg19) VCF-style: chr8-145626956-C-G.
Other names: short protein forms E58D.
Identifiers: ClinVar variation 4656233 (VCV004656233.2).